The following is an entry in ClinVar:

ClinVar aggregate classification (germline): Conflicting classifications of pathogenicity. Review status: criteria provided, conflicting classifications (1 of 4 stars). 3 submissions from 3 submitters: Uncertain significance (2); Likely benign (1). Last evaluated 2025-05-28.

Conditions:
Focal segmental glomerulosclerosis 5 (FSGS5). Identifiers: Orphanet 656, MedGen C2750475, MONDO:0013191, OMIM 613237.
Charcot-Marie-Tooth disease dominant intermediate E. Also called: CHARCOT-MARIE-TOOTH NEUROPATHY WITH FOCAL SEGMENTAL GLOMERULONEPHRITIS. Identifiers: Orphanet 93114, MedGen C4302667, MONDO:0013758, OMIM 614455.

Allele frequency attached by ClinVar (database versions not stated): ExAC below 0.00001; gnomAD exomes 0.00002 and 0.00008; gnomAD 0.00003; TOPMed 0.00005.
gnomAD v4.1: 27 of 1,552,028 alleles (0.0017%); highest among the groups gnomAD compares: Admixed American, 0.033%; no homozygotes.

Submissions (3):

Labcorp Genetics (formerly Invitae), Labcorp
Classification: Likely benign for Charcot-Marie-Tooth disease dominant intermediate E; Focal segmental glomerulosclerosis 5. Last evaluated: 2025-05-28. Review status: criteria provided, single submitter. Criteria: Invitae Variant Classification Sherloc (09022015). Collection method: clinical testing. Allele origin: germline.

Mayo Clinic Laboratories, Mayo Clinic
Classification: Uncertain significance. Last evaluated: 2023-09-22. Review status: criteria provided, single submitter. Criteria: ACMG Guidelines, 2015. Collection method: clinical testing. Allele origin: germline. Observed: 1 variant allele.
Comment: BS2

Fulgent Genetics
Classification: Uncertain significance for Focal segmental glomerulosclerosis 5; Charcot-Marie-Tooth disease dominant intermediate E. Last evaluated: 2022-02-17. Review status: criteria provided, single submitter. Criteria: ACMG Guidelines, 2015. Collection method: clinical testing. Allele origin: unknown.

NM_022489.4(INF2):c.2155G>A (p.Glu719Lys)

Gene: INF2 (inverted formin 2; plus strand). Cytogenetic location: 14q32.33.
Variant type: single nucleotide variant.
Coding change: c.2155G>A on transcript NM_022489.4 (MANE Select); coding-DNA position 2155, G replaced by A.
Protein change: p.Glu719Lys; replaces glutamic acid 719 with lysine.
Molecular consequence: missense variant.
Genome position (GRCh38, 1-based): chr14:104,710,104, G>A. VCF-style: chr14-104710104-G-A. GRCh37 (hg19) VCF-style: chr14-105176441-G-A.
Other names: p.Glu719Lys; c.2155G>A, p.Glu719Lys (NM_001031714.4); short protein forms E719K.
Identifiers: ClinVar variation 540057 (VCV000540057.10), dbSNP rs775500020, ClinGen allele CA7372850.